The following is an entry in ClinVar:

NM_007294.4(BRCA1):c.4063A>G (p.Asn1355Asp)

Genes: BRCA1 (BRCA1 DNA repair associated; minus strand), LOC126862571 (BRD4-independent group 4 enhancer GRCh37_chr17:41243136-41244335; plus strand). Cytogenetic location: 17q21.31.
Variant type: single nucleotide variant.
Coding change: c.4063A>G on transcript NM_007294.4 (MANE Select); coding-DNA position 4063, A replaced by G.
Protein change: p.Asn1355Asp; replaces asparagine 1355 with aspartic acid.
Molecular consequence: missense variant. On other transcripts: intron variant (135).
Genome position (GRCh38, 1-based): chr17:43,091,468, T>C on the plus strand (A>G on the coding strand, the complement: BRCA1 is on the minus strand). VCF-style: chr17-43091468-T-C. GRCh37 (hg19) VCF-style: chr17-41243485-T-C.
Other names: c.3850A>G, p.Asn1284Asp (NM_001407571.1, NM_001407853.1, NM_001407894.1 and 9 more transcripts); c.4063A>G, p.Asn1355Asp (NM_001407581.1, NM_001407582.1, NM_001407583.1 and 30 more transcripts); c.4060A>G, p.Asn1354Asp (NM_001407587.1, NM_001407590.1, NM_001407591.1 and 22 more transcripts); c.4054A>G, p.Asn1352Asp (NM_001407646.1, NM_001407647.1); c.3940A>G, p.Asn1314Asp (NM_001407648.1, NM_001407664.1, NM_001407665.1 and 19 more transcripts); c.3937A>G, p.Asn1313Asp (NM_001407649.1, NM_001407670.1, NM_001407671.1 and 11 more transcripts); c.3985A>G, p.Asn1329Asp (NM_001407653.1, NM_001407654.1, NM_001407655.1 and 4 more transcripts); c.3982A>G, p.Asn1328Asp (NM_001407659.1, NM_001407660.1, NM_001407661.1 and 1 more transcripts); and 41 more; short protein forms N1355D, N1308D, N1187D, N1228D, N1267D, N1314D, N487D, N1244D.
Identifiers: ClinVar variation 233624 (VCV000233624.26), dbSNP rs876660530, ClinGen allele CA10580536.

ClinVar aggregate classification (germline): Conflicting classifications of pathogenicity. Review status: criteria provided, conflicting classifications (1 of 4 stars). 7 submissions from 7 submitters: Uncertain significance (6); Likely benign (1). Last evaluated 2025-07-02.

Conditions:
Hereditary breast ovarian cancer syndrome. Also called: Hereditary breast and ovarian cancer syndrome; BRCA1- and BRCA2-Associated Hereditary Breast and Ovarian Cancer; Breast and ovarian cancer; Hereditary breast and/or ovarian cancer syndrome; Hereditary breast and ovarian cancer; Hereditary breast and ovarian cancer syndrome (HBOC). Identifiers: Orphanet 145, MedGen C0677776, MeSH D061325, MONDO:0003582. Disease mechanism: loss of function.
Hereditary cancer-predisposing syndrome. Also called: Neoplastic Syndromes, Hereditary; Tumor predisposition; Hereditary Cancer Syndrome; Hereditary neoplastic syndrome. Identifiers: Orphanet 140162, MedGen C0027672, MeSH D009386, MONDO:0015356.

Allele frequency attached by ClinVar (database versions not stated): gnomAD exomes below 0.00001.
gnomAD v4.1: 1 of 1,613,622 alleles (0.000062%); highest among the groups gnomAD compares: South Asian, 0.0011%; no homozygotes.

Submissions (7):

Color Diagnostics, LLC DBA Color Health
Classification: Uncertain significance for Hereditary cancer-predisposing syndrome. Last evaluated: 2025-07-02. Review status: criteria provided, single submitter. Criteria: ACMG Guidelines, 2015. Collection method: clinical testing. Allele origin: germline.
Comment: This missense variant replaces asparagine with aspartic acid at codon 1355 of the BRCA1 protein. Computational prediction suggests that this variant may not impact protein structure and function. To our knowledge, functional studies have not been reported for this variant. A multifactorial analysis has reported a likelihood ratio for pathogenicity based on personal and family history of 0.567 from log(LR)=-0.2461 for one carrier (PMID: 31853058). This variant has not been identified in the general population by the Genome Aggregation Database (gnomAD). The available evidence is insufficient to determine the role of this variant in disease conclusively. Therefore, this variant is classified as a Variant of Uncertain Significance.

Labcorp Genetics (formerly Invitae), Labcorp
Classification: Uncertain significance for Hereditary breast ovarian cancer syndrome. Last evaluated: 2025-06-18. Review status: criteria provided, single submitter. Criteria: Invitae Variant Classification Sherloc (09022015). Collection method: clinical testing. Allele origin: germline.
Comment: This sequence change replaces asparagine, which is neutral and polar, with aspartic acid, which is acidic and polar, at codon 1355 of the BRCA1 protein (p.Asn1355Asp). This variant is not present in population databases (gnomAD no frequency). This variant has not been reported in the literature in individuals affected with BRCA1-related conditions. ClinVar contains an entry for this variant (Variation ID: 233624). Invitae Evidence Modeling of protein sequence and biophysical properties (such as structural, functional, and spatial information, amino acid conservation, physicochemical variation, residue mobility, and thermodynamic stability) indicates that this missense variant is not expected to disrupt BRCA1 protein function with a negative predictive value of 80%. In summary, the available evidence is currently insufficient to determine the role of this variant in disease. Therefore, it has been classified as a Variant of Uncertain Significance.

Ambry Genetics
Classification: Uncertain significance for Hereditary cancer-predisposing syndrome. Last evaluated: 2025-06-07. Review status: criteria provided, single submitter. Criteria: Ambry Variant Classification Scheme 2023. Collection method: clinical testing. Allele origin: germline.
Comment: The p.N1355D variant (also known as c.4063A>G), located in coding exon 9 of the BRCA1 gene, results from an A to G substitution at nucleotide position 4063. The asparagine at codon 1355 is replaced by aspartic acid, an amino acid with highly similar properties. This amino acid position is not well conserved in available vertebrate species. In addition, the in silico prediction for this alteration is inconclusive. Since supporting evidence is limited at this time, the clinical significance of this alteration remains unclear.

Quest Diagnostics Nichols Institute San Juan Capistrano
Classification: Uncertain significance. Last evaluated: 2024-08-25. Review status: criteria provided, single submitter. Criteria: Quest Diagnostics criteria. Collection method: clinical testing. Allele origin: unknown.
Comment: The BRCA1 c.4063A>G (p.Asn1355Asp) variant has been reported in the published literature to be located in a region of the BRCA1 gene that is tolerant to missense sequence changes (PMID: 31911673 (2020)). To the best of our knowledge, this variant has not been reported in individuals with BRCA1-related disorders. This variant has not been reported in large, multi-ethnic general populations (Genome Aggregation Database). Analysis of this variant using bioinformatics tools for the prediction of the effect of amino acid changes on protein structure and function yielded predictions that this variant is benign. Based on the available information, we are unable to determine the clinical significance of this variant.

University of Washington Department of Laboratory Medicine, University of Washington
Classification: Likely benign for Hereditary cancer-predisposing syndrome. Last evaluated: 2023-03-23. Review status: criteria provided, single submitter. Criteria: Dines et al. (Genet Med. 2020). Collection method: curation. Allele origin: germline.
Comment: Missense variant in a coldspot region where missense variants are very unlikely to be pathogenic (PMID:31911673).

BRCA1 coldspot (exon 11 using historical exon numbering). Reclassification based on statistical prior probability

GeneDx
Classification: Uncertain significance. Last evaluated: 2019-09-05. Review status: criteria provided, single submitter. Criteria: GeneDx Variant Classification Process June 2021. Collection method: clinical testing. Allele origin: germline. Affected: yes.
Comment: Not observed in large population cohorts (Lek 2016); In silico analysis, which includes protein predictors and evolutionary conservation, supports that this variant does not alter protein structure/function; Has not been previously published as pathogenic or benign to our knowledge

Women's Health and Genetics/Laboratory Corporation of America, LabCorp
Classification: Uncertain significance. Last evaluated: 2018-10-29. Review status: criteria provided, single submitter. Criteria: LabCorp Variant Classification Summary - May 2015. Collection method: clinical testing. Allele origin: germline.
Comment: Variant summary: BRCA1 c.4063A>G (p.Asn1355Asp) results in a conservative amino acid change in the encoded protein sequence. Five of five in-silico tools predict a benign effect of the variant on protein function. The variant allele was found at a frequency of 4.1e-06 in 245710 control chromosomes. The available data on variant occurrences in the general population are insufficient to allow any conclusion about variant significance. To our knowledge, no occurrence of c.4063A>G in individuals affected with Hereditary Breast and Ovarian Cancer and no experimental evidence demonstrating its impact on protein function have been reported. Three clinical diagnostic laboratories have submitted clinical-significance assessments for this variant to ClinVar after 2014 without evidence for independent evaluation. All laboratories classified the variant as uncertain significance. Based on the evidence outlined above, the variant was classified as uncertain significance.

Literature cited by the submitters: PubMed 31853058 (cited by Color Diagnostics, LLC DBA Color Health); PubMed 31911673 (cited by Quest Diagnostics Nichols Institute San Juan Capistrano).